The following is an entry in ClinVar:

ClinVar aggregate classification (germline): Uncertain significance (1 of 4 stars; one submission).

Conditions:
Neurodevelopmental disorder with or without hyperkinetic movements and seizures, autosomal dominant. Also called: Intellectual disability, autosomal dominant 8. Identifiers: MedGen C3280282, MONDO:0013655, OMIM 614254.

Submission:

Labcorp Genetics (formerly Invitae), Labcorp
Classification: Uncertain significance for Neurodevelopmental disorder with or without hyperkinetic movements and seizures, autosomal dominant. Last evaluated: 2018-11-30. Review status: criteria provided, single submitter. Criteria: Invitae Variant Classification Sherloc (09022015). Collection method: clinical testing. Allele origin: germline.
Comment: In summary, the available evidence is currently insufficient to determine the role of this variant in disease. Therefore, it has been classified as a Variant of Uncertain Significance. Nucleotide substitutions within the consensus splice site are a relatively common cause of aberrant splicing (PMID: 17576681, 9536098). Algorithms developed to predict the effect of sequence changes on RNA splicing suggest that this variant is not likely to affect RNA splicing, but this prediction has not been confirmed by published transcriptional studies. This variant has not been reported in the literature in individuals with GRIN1-related conditions. This variant is not present in population databases (ExAC no frequency). This sequence change falls in intron 16 of the GRIN1 gene. It does not directly change the encoded amino acid sequence of the GRIN1 protein, but it affects a nucleotide within the consensus splice site of the intron.

Literature cited by the submitters: PubMed 17576681; PubMed 9536098.

NM_007327.4(GRIN1):c.2333+3G>A

Gene: GRIN1 (glutamate ionotropic receptor NMDA type subunit 1; plus strand). Cytogenetic location: 9q34.3.
Variant type: single nucleotide variant.
Coding change: c.2333+3G>A on transcript NM_007327.4 (MANE Select); 3 bases into the intron after coding-DNA position 2333, G replaced by A.
Molecular consequence: intron variant.
Genome position (GRCh38, 1-based): chr9:137,163,333, G>A. VCF-style: chr9-137163333-G-A. GRCh37 (hg19) VCF-style: chr9-140057785-G-A.
Other names: c.2396+3G>A (NM_001185090.2, NM_001185091.2); c.2333+3G>A (NM_021569.4, NM_000832.7).
Identifiers: ClinVar variation 658629 (VCV000658629.7), dbSNP rs962894112, ClinGen allele CA915945832.